The following is an entry in ClinVar:

NM_001768.7(CD8A):c.279G>T (p.Arg93Ser)

Gene: CD8A (CD8 subunit alpha; minus strand). Cytogenetic location: 2p11.2.
Variant type: single nucleotide variant.
Coding change: c.279G>T on transcript NM_001768.7 (MANE Select); coding-DNA position 279, G replaced by T.
Protein change: p.Arg93Ser; replaces arginine 93 with serine.
Molecular consequence: missense variant. On other transcripts: non-coding transcript variant (3).
Genome position (GRCh38, 1-based): chr2:86,790,452, C>A on the plus strand (G>T on the coding strand, the complement: CD8A is on the minus strand). VCF-style: chr2-86790452-C-A. GRCh37 (hg19) VCF-style: chr2-87017575-C-A.
Other names: c.279G>T, p.Arg93Ser (NM_001145873.1, NM_001382698.1, NM_171827.4); short protein forms R93S.
Identifiers: ClinVar variation 843539 (VCV000843539.5), dbSNP rs2229240, ClinGen allele CA1751236.

ClinVar aggregate classification (germline): Uncertain significance (1 of 4 stars; one submission).

Conditions:
Susceptibility to respiratory infections associated with CD8alpha chain mutation (IMD116). Also called: IMMUNODEFICIENCY 116; Cd8 deficiency, familial. Identifiers: Orphanet 169085, MedGen C1837065, MONDO:0012161, OMIM 608957.

Allele frequency attached by ClinVar (database versions not stated): TOPMed 0.00006.
gnomAD v4.1: 76 of 1,614,058 alleles (0.0047%); highest among the groups gnomAD compares: Non-Finnish European, 0.001%; 1 homozygote.

Submission:

Labcorp Genetics (formerly Invitae), Labcorp
Classification: Uncertain significance for Susceptibility to respiratory infections associated with CD8alpha chain mutation. Last evaluated: 2021-11-13. Review status: criteria provided, single submitter. Criteria: Invitae Variant Classification Sherloc (09022015). Collection method: clinical testing. Allele origin: germline.
Comment: This sequence change replaces arginine, which is basic and polar, with serine, which is neutral and polar, at codon 93 of the CD8A protein (p.Arg93Ser). This variant is present in population databases (rs2229240, gnomAD 0.2%). This variant has not been reported in the literature in individuals affected with CD8A-related conditions. ClinVar contains an entry for this variant (Variation ID: 843539). Algorithms developed to predict the effect of missense changes on protein structure and function (SIFT, PolyPhen-2, Align-GVGD) all suggest that this variant is likely to be disruptive. In summary, the available evidence is currently insufficient to determine the role of this variant in disease. Therefore, it has been classified as a Variant of Uncertain Significance.